The following is an entry in ClinVar:

NM_004655.4(AXIN2):c.1931A>C (p.Tyr644Ser)

Gene: AXIN2 (axin 2; minus strand). Cytogenetic location: 17q24.1.
Variant type: single nucleotide variant.
Coding change: c.1931A>C on transcript NM_004655.4 (MANE Select); coding-DNA position 1931, A replaced by C.
Protein change: p.Tyr644Ser; replaces tyrosine 644 with serine.
Molecular consequence: missense variant.
Genome position (GRCh38, 1-based): chr17:65,536,530, T>G on the plus strand (A>C on the coding strand, the complement: AXIN2 is on the minus strand). VCF-style: chr17-65536530-T-G. GRCh37 (hg19) VCF-style: chr17-63532648-T-G.
Other names: c.1736A>C, p.Tyr579Ser (NM_001363813.1); short protein forms Y579S, Y644S.
Identifiers: ClinVar variation 3469421 (VCV003469421.1).
Genomic context (GRCh38, chr17:65,536,530, plus strand): 5'-CCCCACAGATGGTGCCGGCTGGCTCGTTCGCCTGGAGACGAGCGGGCAGACTCCAAGGGG[T>G]AGGCCTTTTTTGTGCTTTGGGCACTAAACAAGGAATGAGCAGAGAGAAAACAGAAGGAAA-3'
Protein context (NP_004646.3, residues 634-654): PHSAQSTKKA[Tyr644Ser]PLESARSSPG

ClinVar aggregate classification (germline): Uncertain significance (1 of 4 stars; one submission).

Conditions:
Hereditary cancer-predisposing syndrome. Also called: Tumor predisposition; Neoplastic Syndromes, Hereditary; Hereditary neoplastic syndrome; Hereditary Cancer Syndrome. Identifiers: Orphanet 140162, MedGen C0027672, MeSH D009386, MONDO:0015356.

Submission:

Ambry Genetics
Classification: Uncertain significance for Hereditary cancer-predisposing syndrome. Last evaluated: 2024-12-08. Review status: criteria provided, single submitter. Criteria: Ambry Variant Classification Scheme 2023. Collection method: clinical testing. Allele origin: germline.
Comment: The p.Y644S variant (also known as c.1931A>C), located in coding exon 7 of the AXIN2 gene, results from an A to C substitution at nucleotide position 1931. The tyrosine at codon 644 is replaced by serine, an amino acid with dissimilar properties. This amino acid position is conserved. In addition, this alteration is predicted to be tolerated by in silico analysis. Based on the available evidence, the clinical significance of this variant remains unclear.